The following is an entry in ClinVar:

NM_014994.3(MAPKBP1):c.1221C>T (p.Ser407=)

Gene: MAPKBP1 (mitogen-activated protein kinase binding protein 1; plus strand). Cytogenetic location: 15q15.1.
Variant type: single nucleotide variant.
Coding change: c.1221C>T on transcript NM_014994.3 (MANE Select); coding-DNA position 1221, C replaced by T.
Protein change: p.Ser407=; no amino-acid change (serine 407 retained).
Molecular consequence: synonymous variant. On other transcripts: non-coding transcript variant (1).
Genome position (GRCh38, 1-based): chr15:41,815,309, C>T. VCF-style: chr15-41815309-C-T. GRCh37 (hg19) VCF-style: chr15-42107507-C-T.
Other names: c.1239C>T, p.Ser413= (NM_001128608.2); c.1221C>T, p.Ser407= (NM_001265611.2); c.1239C>T (NM_001128608.1).
Identifiers: ClinVar variation 1901080 (VCV001901080.6), dbSNP rs766915233, ClinGen allele CA7497784.

ClinVar aggregate classification (germline): Likely benign. Review status: criteria provided, single submitter (1 of 4 stars). 2 submissions from 2 submitters: Likely benign (1). 1 of the submissions does not count toward it. Last evaluated 2022-11-22.

Conditions:
MAPKBP1-related disorder. Also called: MAPKBP1-related condition.

Allele frequency attached by ClinVar (database versions not stated): gnomAD 0.00002; ExAC 0.00003; gnomAD exomes 0.00003; TOPMed 0.00003.
gnomAD v4.1: 23 of 1,614,104 alleles (0.0014%); highest among the groups gnomAD compares: Admixed American, 0.038%; no homozygotes.

Submissions (2):

Labcorp Genetics (formerly Invitae), Labcorp
Classification: Likely benign. Last evaluated: 2022-11-22. Review status: criteria provided, single submitter. Criteria: Invitae Variant Classification Sherloc (09022015). Collection method: clinical testing. Allele origin: germline.

PreventionGenetics, part of Exact Sciences
Classification: Likely benign for MAPKBP1-related condition. Last evaluated: 2019-09-18. Review status: no assertion criteria provided. Collection method: clinical testing. Allele origin: germline. Not counted in ClinVar's aggregate classification.
Comment: This variant is classified as likely benign based on ACMG/AMP sequence variant interpretation guidelines (Richards et al. 2015 PMID: 25741868, with internal and published modifications).